The following is an entry in ClinVar:

ClinVar aggregate classification (germline): Benign. Review status: criteria provided, single submitter (1 of 4 stars). 2 submissions from 1 submitter: Benign (2). Last evaluated 2018-01-13.

Conditions:
Chondrocalcinosis 2. Also called: CALCIUM GOUT; CALCIUM PYROPHOSPHATE ARTHROPATHY; Familial calcium pyrophosphate deposition. Identifiers: Orphanet 1416, MedGen C0856830, MONDO:0007319, OMIM 118600.
Craniometaphyseal dysplasia, autosomal dominant (CMDD). Identifiers: Orphanet 1522, MedGen C1852502, MONDO:0007397, OMIM 123000.

Allele frequency attached by ClinVar (database versions not stated): gnomAD 0.00368 and 0.00384; TOPMed 0.00401; 1000 Genomes Project 0.00639; 1000 Genomes Project 30x 0.00703.

Submissions (2):

Illumina Laboratory Services, Illumina
Classification: Benign for Chondrocalcinosis 2. Last evaluated: 2018-01-13. Review status: criteria provided, single submitter. Criteria: ICSL Variant Classification Criteria 13 December 2019. Collection method: clinical testing. Allele origin: germline.
Comment: This variant was observed in the ICSL laboratory as part of a predisposition screen in an ostensibly healthy population. It had not been previously curated by ICSL or reported in the Human Gene Mutation Database (HGMD: prior to June 1st, 2018), and was therefore a candidate for classification through an automated scoring system. Utilizing variant allele frequency, disease prevalence and penetrance estimates, and inheritance mode, an automated score was calculated to assess if this variant is too frequent to cause the disease. Based on the score and internal cut-off values, a variant classified as benign is not then subjected to further curation. The score for this variant resulted in a classification of benign for this disease.

Illumina Laboratory Services, Illumina
Classification: Benign for Craniometaphyseal dysplasia, autosomal dominant. Last evaluated: 2018-01-13. Review status: criteria provided, single submitter. Criteria: ICSL Variant Classification Criteria 13 December 2019. Collection method: clinical testing. Allele origin: germline.
Comment: the same text as in the submission from Illumina Laboratory Services, Illumina above.

NM_054027.6(ANKH):c.*5662C>T

Genes: ANKH (ANKH inorganic pyrophosphate transport regulator; minus strand), OTULIN (OTU deubiquitinase with linear linkage specificity; plus strand). Cytogenetic location: 5p15.2.
Variant type: single nucleotide variant.
Coding change: c.*5662C>T on transcript NM_054027.6 (MANE Select); 5662 bases downstream of the stop codon, C replaced by T.
Molecular consequence: 3 prime UTR variant.
Genome position (GRCh38, 1-based): chr5:14,705,535, G>A on the plus strand (C>T on the coding strand, the complement: ANKH is on the minus strand). VCF-style: chr5-14705535-G-A. GRCh37 (hg19) VCF-style: chr5-14705644-G-A.
Identifiers: ClinVar variation 351402 (VCV000351402.5), dbSNP rs190396675, ClinGen allele CA10623148.